The following is an entry in ClinVar:

NM_000138.5(FBN1):c.3583T>G (p.Cys1195Gly)

Gene: FBN1 (fibrillin 1; minus strand). Cytogenetic location: 15q21.1.
Variant type: single nucleotide variant.
Coding change: c.3583T>G on transcript NM_000138.5 (MANE Select); coding-DNA position 3583, T replaced by G.
Protein change: p.Cys1195Gly; replaces cysteine 1195 with glycine.
Molecular consequence: missense variant.
Genome position (GRCh38, 1-based): chr15:48,487,081, A>C on the plus strand (T>G on the coding strand, the complement: FBN1 is on the minus strand). VCF-style: chr15-48487081-A-C. GRCh37 (hg19) VCF-style: chr15-48779278-A-C.
Other names: short protein forms C1195G.
Identifiers: ClinVar variation 1522804 (VCV001522804.6), dbSNP rs2141293091, ClinGen allele CA392324880.

ClinVar aggregate classification (germline): Likely pathogenic (1 of 4 stars; one submission).

Conditions:
Marfan syndrome (MFS). Also called: MARFAN SYNDROME, TYPE I; Marfan syndrome type 1; Marfan's syndrome; Marfan syndrome, classic; FBN1-Related Marfan Syndrome. Identifiers: Orphanet 284963, Orphanet 558, MedGen C0024796, MONDO:0007947, OMIM 154700.
Familial thoracic aortic aneurysm and aortic dissection (TAAD). Also called: Thoracic aortic aneurysms and dissections. Identifiers: Orphanet 91387, MedGen C4707243, MONDO:0019625.

Submission:

Labcorp Genetics (formerly Invitae), Labcorp
Classification: Likely pathogenic for Marfan syndrome; Familial thoracic aortic aneurysm and aortic dissection. Last evaluated: 2021-07-31. Review status: criteria provided, single submitter. Criteria: Invitae Variant Classification Sherloc (09022015). Collection method: clinical testing. Allele origin: germline.
Comment: Advanced modeling of protein sequence and biophysical properties (such as structural, functional, and spatial information, amino acid conservation, physicochemical variation, residue mobility, and thermodynamic stability) performed at Invitae indicates that this missense variant is expected to disrupt FBN1 protein function. This variant has not been reported in the literature in individuals affected with FBN1-related conditions. This variant is not present in population databases (ExAC no frequency). This sequence change replaces cysteine with glycine at codon 1195 of the FBN1 protein (p.Cys1195Gly). The cysteine residue is highly conserved and there is a large physicochemical difference between cysteine and glycine. This variant affects a cysteine residue in the EGF-like, TGFBP or hybrid motif domains of FBN1. Cysteine residues are believed to be involved in intramolecular disulfide bridges and have been shown to be important for FBN1 protein structure (PMID: 16905551, 19349279). In addition, missense substitutions affecting cysteine residues within these domains are significantly overrepresented among patients with Marfan syndrome (PMID: 16571647, 17701892). In summary, the currently available evidence indicates that the variant is pathogenic, but additional data are needed to prove that conclusively. Therefore, this variant has been classified as Likely Pathogenic.

Literature cited by the submitters: PubMed 16905551; PubMed 19349279; PubMed 16571647; PubMed 17701892.